The following is an entry in ClinVar:

NM_025132.4(WDR19):c.2743G>C (p.Val915Leu)

Gene: WDR19 (WD repeat domain 19; plus strand). Cytogenetic location: 4p14.
Variant type: single nucleotide variant.
Coding change: c.2743G>C on transcript NM_025132.4 (MANE Select); coding-DNA position 2743, G replaced by C.
Protein change: p.Val915Leu; replaces valine 915 with leucine.
Molecular consequence: missense variant.
Genome position (GRCh38, 1-based): chr4:39,253,159, G>C. VCF-style: chr4-39253159-G-C. GRCh37 (hg19) VCF-style: chr4-39254779-G-C.
Other names: c.2263G>C, p.Val755Leu (NM_001317924.2); short protein forms V915L, V755L.
Identifiers: ClinVar variation 2152999 (VCV002152999.5), dbSNP rs183029614, ClinGen allele CA2892187.
Genomic context (GRCh38, chr4:39,253,159, plus strand): 5'-CAAATTGACAGTGTTAAAAAAAGTTTATCTGAGCTATTTTTTTACAGATACAAAGAAGCT[G>C]TTGTAGCTTATGAAAATGCAAAACAGTGGCAAAGTGTAATCCGCATCTATCTGGATCACC-3'
Protein context (NP_079408.3, residues 905-925): KEADGRYKEA[Val915Leu]VAYENAKQWQ

ClinVar aggregate classification (germline): Uncertain significance. Review status: criteria provided, multiple submitters, no conflicts (2 of 4 stars). 2 submissions from 2 submitters: Uncertain significance (2). Last evaluated 2022-03-11.

Conditions:
Senior-Loken syndrome 8 (SLSN8). Identifiers: Orphanet 3156, MedGen C4225376, MONDO:0014579, OMIM 616307.
Asphyxiating thoracic dystrophy 5 (SRTD5). Also called: SHORT-RIB THORACIC DYSPLASIA 5 WITH OR WITHOUT POLYDACTYLY; SHORT-RIB THORACIC DYSPLASIA 5 WITHOUT POLYDACTYLY. Identifiers: Orphanet 474, MedGen C3280598, MONDO:0013717, OMIM 614376.

Allele frequency attached by ClinVar (database versions not stated): gnomAD exomes below 0.00001; ExAC 0.00001; gnomAD 0.00001; 1000 Genomes Project 30x 0.00016.
gnomAD v4.1: 3 of 1,606,538 alleles (0.00019%); highest among the groups gnomAD compares: South Asian, 0.0023%; no homozygotes.

Submissions (2):

Labcorp Genetics (formerly Invitae), Labcorp
Classification: Uncertain significance for Senior-Loken syndrome 8; Asphyxiating thoracic dystrophy 5. Last evaluated: 2022-03-11. Review status: criteria provided, single submitter. Criteria: Invitae Variant Classification Sherloc (09022015). Collection method: clinical testing. Allele origin: germline.
Comment: In summary, the available evidence is currently insufficient to determine the role of this variant in disease. Therefore, it has been classified as a Variant of Uncertain Significance. Algorithms developed to predict the effect of missense changes on protein structure and function (SIFT, PolyPhen-2, Align-GVGD) all suggest that this variant is likely to be tolerated. This sequence change replaces valine, which is neutral and non-polar, with leucine, which is neutral and non-polar, at codon 915 of the WDR19 protein (p.Val915Leu). This variant is not present in population databases (gnomAD no frequency). This variant has not been reported in the literature in individuals affected with WDR19-related conditions.

Blueprint Genetics
Classification: Uncertain significance. Last evaluated: 2021-10-30. Review status: criteria provided, single submitter. Criteria: ACMG Guidelines, 2015. Collection method: clinical testing. Allele origin: germline.